The following is an entry in ClinVar:

NM_005618.4(DLL1):c.433A>T (p.Ser145Cys)

Gene: DLL1 (delta like canonical Notch ligand 1; minus strand). Cytogenetic location: 6q27.
Variant type: single nucleotide variant.
Coding change: c.433A>T on transcript NM_005618.4 (MANE Select); coding-DNA position 433, A replaced by T.
Protein change: p.Ser145Cys; replaces serine 145 with cysteine.
Molecular consequence: missense variant.
Genome position (GRCh38, 1-based): chr6:170,288,476, T>A on the plus strand (A>T on the coding strand, the complement: DLL1 is on the minus strand). VCF-style: chr6-170288476-T-A. GRCh37 (hg19) VCF-style: chr6-170597564-T-A.
Other names: short protein forms S145C.
Identifiers: ClinVar variation 5016938 (VCV005016938.1).

ClinVar aggregate classification (germline): Uncertain significance (1 of 4 stars; one submission).

Submission:

GeneDx
Classification: Uncertain significance. Last evaluated: 2026-03-19. Review status: criteria provided, single submitter. Criteria: GeneDx Variant Classification Process June 2021. Collection method: clinical testing. Allele origin: germline.
Comment: Not observed at significant frequency in large population cohorts (gnomAD); In silico analysis supports that this missense variant has a deleterious effect on protein structure/function; Has not been previously published as pathogenic or benign to our knowledge